The following is an entry in ClinVar:

NM_004656.4(BAP1):c.878C>G (p.Pro293Arg)

Gene: BAP1 (BRCA1 associated deubiquitinase 1; minus strand). Cytogenetic location: 3p21.1.
Variant type: single nucleotide variant.
Coding change: c.878C>G on transcript NM_004656.4 (MANE Select); coding-DNA position 878, C replaced by G.
Protein change: p.Pro293Arg; replaces proline 293 with arginine.
Molecular consequence: missense variant.
Genome position (GRCh38, 1-based): chr3:52,405,818, G>C on the plus strand (C>G on the coding strand, the complement: BAP1 is on the minus strand). VCF-style: chr3-52405818-G-C. GRCh37 (hg19) VCF-style: chr3-52439834-G-C.
Other names: c.824C>G, p.Pro275Arg (NM_001410772.1); short protein forms P293R, P275R.
Identifiers: ClinVar variation 2094389 (VCV002094389.4), dbSNP rs777664260, ClinGen allele CA353106666.

ClinVar aggregate classification (germline): Uncertain significance (1 of 4 stars; one submission).

Conditions:
BAP1-related tumor predisposition syndrome (TPDS1). Also called: COMMON Syndrome; TUMOR PREDISPOSITION SYNDROME 1; BAP1 tumor predisposition syndrome; Tumor susceptibility linked to germline BAP1 mutations. Identifiers: Orphanet 289539, MedGen C3280492, MONDO:0013692, OMIM 614327.

Submission:

Labcorp Genetics (formerly Invitae), Labcorp
Classification: Uncertain significance for BAP1-related tumor predisposition syndrome. Last evaluated: 2022-02-07. Review status: criteria provided, single submitter. Criteria: Invitae Variant Classification Sherloc (09022015). Collection method: clinical testing. Allele origin: germline.
Comment: This sequence change replaces proline, which is neutral and non-polar, with arginine, which is basic and polar, at codon 293 of the BAP1 protein (p.Pro293Arg). This variant is not present in population databases (gnomAD no frequency). This variant has not been reported in the literature in individuals affected with BAP1-related conditions. Algorithms developed to predict the effect of missense changes on protein structure and function are either unavailable or do not agree on the potential impact of this missense change (SIFT: "Deleterious"; PolyPhen-2: "Benign"; Align-GVGD: "Class C0"). In summary, the available evidence is currently insufficient to determine the role of this variant in disease. Therefore, it has been classified as a Variant of Uncertain Significance.